The following is an entry in ClinVar:

NM_001170629.2(CHD8):c.5348C>T (p.Ala1783Val)

Gene: CHD8 (chromodomain helicase DNA binding protein 8; minus strand). Cytogenetic location: 14q11.2.
Variant type: single nucleotide variant.
Coding change: c.5348C>T on transcript NM_001170629.2 (MANE Select); coding-DNA position 5348, C replaced by T.
Protein change: p.Ala1783Val; replaces alanine 1783 with valine.
Molecular consequence: missense variant.
Genome position (GRCh38, 1-based): chr14:21,394,954, G>A on the plus strand (C>T on the coding strand, the complement: CHD8 is on the minus strand). VCF-style: chr14-21394954-G-A. GRCh37 (hg19) VCF-style: chr14-21863113-G-A.
Other names: c.4511C>T, p.Ala1504Val (NM_020920.4); short protein forms A1783V, A1504V.
Identifiers: ClinVar variation 1746960 (VCV001746960.7), dbSNP rs751773278, ClinGen allele CA7090985.

ClinVar aggregate classification (germline): Conflicting classifications of pathogenicity. Review status: criteria provided, conflicting classifications (1 of 4 stars). 3 submissions from 3 submitters: Uncertain significance (2); Likely benign (1). Last evaluated 2025-10-15.

Conditions:
Inborn genetic diseases. Identifiers: MedGen C0950123, MeSH D030342.
Intellectual developmental disorder with autism and macrocephaly. Also called: Autism, susceptibility to, 18; CHD8-Related Neurodevelopmental Disorder with Overgrowth. Identifiers: Orphanet 642675, MedGen C3554373, MONDO:0014017, OMIM 615032.

Allele frequency attached by ClinVar (database versions not stated): ExAC 0.00001.
gnomAD v4.1: 6 of 1,613,966 alleles (0.00037%); highest among the groups gnomAD compares: East Asian, 0.0022%; no homozygotes.

Submissions (3):

Dasa
Classification: Uncertain significance for Intellectual developmental disorder with autism and macrocephaly. Last evaluated: 2025-10-15. Review status: criteria provided, single submitter. Criteria: DASA Assertion Criteria. Collection method: clinical testing. Allele origin: germline.
Comment: NM_001170629.2(CHD8):c.5348C>T (p.Ala1783Val) is a missense variant that results in the substitution of alanine with valine. This variant is rare in population databases. The currently available literature and clinical evidence are not sufficient to establish a definitive association between this variant and the reported condition. Therefore, this variant is classified as a variant of uncertain significance.

Labcorp Genetics (formerly Invitae), Labcorp
Classification: Likely benign. Last evaluated: 2025-03-18. Review status: criteria provided, single submitter. Criteria: Invitae Variant Classification Sherloc (09022015). Collection method: clinical testing. Allele origin: germline.

Ambry Genetics
Classification: Uncertain significance for Inborn genetic diseases. Last evaluated: 2019-01-08. Review status: criteria provided, single submitter. Criteria: Ambry Variant Classification Scheme 2023. Collection method: clinical testing. Allele origin: germline.
Comment: The p.A1783V variant (also known as c.5348C>T), located in coding exon 29 of the CHD8 gene, results from a C to T substitution at nucleotide position 5348. The alanine at codon 1783 is replaced by valine, an amino acid with similar properties. This amino acid position is highly conserved in available vertebrate species. In addition, the in silico prediction for this alteration is inconclusive. Since supporting evidence is limited at this time, the clinical significance of this alteration remains unclear.